The following is an entry in ClinVar:

ClinVar aggregate classification (germline): Uncertain significance (1 of 4 stars; one submission).

Allele frequency attached by ClinVar (database versions not stated): TOPMed below 0.00001; gnomAD 0.00001.
gnomAD v4.1: 1 of 1,613,502 alleles (0.000062%); highest among the groups gnomAD compares: Non-Finnish European, 0.000085%; no homozygotes.

Submission:

Labcorp Genetics (formerly Invitae), Labcorp
Classification: Uncertain significance. Last evaluated: 2025-09-07. Review status: criteria provided, single submitter. Criteria: Invitae Variant Classification Sherloc (09022015). Collection method: clinical testing. Allele origin: germline.
Comment: This sequence change replaces aspartic acid, which is acidic and polar, with asparagine, which is neutral and polar, at codon 755 of the EFTUD2 protein (p.Asp755Asn). This variant is present in population databases (no rsID available, gnomAD 0.007%). This variant has not been reported in the literature in individuals affected with EFTUD2-related conditions. ClinVar contains an entry for this variant (Variation ID: 2980959). An algorithm developed to predict the effect of missense changes on protein structure and function (PolyPhen-2) suggests that this variant is likely to be tolerated. In summary, the available evidence is currently insufficient to determine the role of this variant in disease. Therefore, it has been classified as a Variant of Uncertain Significance.

NM_004247.4(EFTUD2):c.2263G>A (p.Asp755Asn)

Gene: EFTUD2 (elongation factor Tu GTP binding domain containing 2; minus strand). Cytogenetic location: 17q21.31.
Variant type: single nucleotide variant.
Coding change: c.2263G>A on transcript NM_004247.4 (MANE Select); coding-DNA position 2263, G replaced by A.
Protein change: p.Asp755Asn; replaces aspartic acid 755 with asparagine.
Molecular consequence: missense variant.
Genome position (GRCh38, 1-based): chr17:44,854,353, C>T on the plus strand (G>A on the coding strand, the complement: EFTUD2 is on the minus strand). VCF-style: chr17-44854353-C-T. GRCh37 (hg19) VCF-style: chr17-42931721-C-T.
Other names: c.2158G>A, p.Asp720Asn (NM_001142605.2); c.2263G>A, p.Asp755Asn (NM_001258353.2); c.2233G>A, p.Asp745Asn (NM_001258354.2); short protein forms D745N, D720N, D755N.
Identifiers: ClinVar variation 2980959 (VCV002980959.3), dbSNP rs1364475617, ClinGen allele CA399842596.